The following is an entry in ClinVar:

NM_020207.7(ERCC6L2):c.1907C>T (p.Thr636Ile)

Gene: ERCC6L2 (ERCC excision repair 6 like 2; plus strand). Cytogenetic location: 9q22.32.
Variant type: single nucleotide variant.
Coding change: c.1907C>T on transcript NM_020207.7 (MANE Select); coding-DNA position 1907, C replaced by T.
Protein change: p.Thr636Ile; replaces threonine 636 with isoleucine.
Molecular consequence: missense variant. On other transcripts: non-coding transcript variant (1).
Genome position (GRCh38, 1-based): chr9:95,955,973, C>T. VCF-style: chr9-95955973-C-T. GRCh37 (hg19) VCF-style: chr9-98718255-C-T.
Other names: c.1907C>T, p.Thr636Ile (NM_001010895.4, NM_001375291.1, NM_001375292.1 and 2 more transcripts); short protein forms T636I.
Identifiers: ClinVar variation 4844038 (VCV004844038.1).
Genomic context (GRCh38, chr9:95,955,973, plus strand): 5'-GAGCATATAGGATTGGACAATGTAGAGATGTCAAAGTGCTTAGGCTGATATCCTTGGGAA[C>T]TGTGGAGGAAATCATGTATTTACGACAGATATACAAGCAGGTAAATATGTTTCCCTTTTT-3'
Protein context (NP_064592.3, residues 626-646): VKVLRLISLG[Thr636Ile]VEEIMYLRQI

ClinVar aggregate classification (germline): Uncertain significance (1 of 4 stars; one submission).

Conditions:
Inborn genetic diseases. Identifiers: MedGen C0950123, MeSH D030342.

Submission:

Ambry Genetics
Classification: Uncertain significance for Inborn genetic diseases. Last evaluated: 2025-12-17. Review status: criteria provided, single submitter. Criteria: Ambry Variant Classification Scheme 2023. Collection method: clinical testing. Allele origin: germline.
Comment: The p.T636I variant (also known as c.1907C>T), located in coding exon 13 of the ERCC6L2 gene, results from a C to T substitution at nucleotide position 1907. The threonine at codon 636 is replaced by isoleucine, an amino acid with similar properties. This amino acid position is conserved. In addition, this alteration is predicted to be deleterious by in silico analysis. Based on the available evidence, the clinical significance of this variant remains unclear.